The following is an entry in ClinVar:

ClinVar aggregate classification (germline): Uncertain significance (1 of 4 stars; one submission).

Conditions:
Cardiovascular phenotype. Identifiers: MedGen CN230736.

Submission:

Ambry Genetics
Classification: Uncertain significance for Cardiovascular phenotype. Last evaluated: 2019-07-05. Review status: criteria provided, single submitter. Criteria: Ambry Variant Classification Scheme 2023. Collection method: clinical testing. Allele origin: germline.
Comment: The c.9643_9657del15 variant (also known as p.R3215_K3219del) is located in coding exon 2 of the ZNF469 gene. This variant results from an in-frame deletion of 15 nucleotides at positions 96423 to 9657. This results in the deletion of five amino acids between codons 3215 and 3219. Since supporting evidence is limited at this time, the clinical significance of this alteration remains unclear.

NM_001367624.2(ZNF469):c.9727_9741del (p.Arg3243_Lys3247del)

Gene: ZNF469 (zinc finger protein 469; plus strand). Cytogenetic location: 16q24.2.
Variant type: Deletion.
Coding change: c.9727_9741del on transcript NM_001367624.2 (MANE Select); coding-DNA positions 9727 to 9741, 15 bases deleted (CGCTCCGCCGGCAAG).
Protein change: p.Arg3243_Lys3247del.
Molecular consequence: inframe deletion.
Genome position (GRCh38, 1-based): chr16:88,437,197-88,437,211, CGCTCCGCCGGCAAG deleted; deleting any 15 consecutive bases within chr16:88,437,191-88,437,211 gives the same sequence; the c. name uses the placement nearest the transcript's 3' end. VCF-style (leftmost placement, unchanged base first): chr16-88437190-GGGCAAGCGCTCCGCC-G. GRCh37 (hg19) VCF-style: chr16-88503598-GGGCAAGCGCTCCGCC-G.
Other names: NM_001127464.1:c.9643_9657del15.
Identifiers: ClinVar variation 1767657 (VCV001767657.2), dbSNP rs1567516354, ClinGen allele CA624447634.